The following is an entry in ClinVar:

NM_198253.3(TERT):c.1258A>T (p.Thr420Ser)

Gene: TERT (telomerase reverse transcriptase; minus strand). Cytogenetic location: 5p15.33.
Variant type: single nucleotide variant.
Coding change: c.1258A>T on transcript NM_198253.3 (MANE Select); coding-DNA position 1258, A replaced by T.
Protein change: p.Thr420Ser; replaces threonine 420 with serine.
Molecular consequence: missense variant. On other transcripts: non-coding transcript variant (2).
Genome position (GRCh38, 1-based): chr5:1,293,628, T>A on the plus strand (A>T on the coding strand, the complement: TERT is on the minus strand). VCF-style: chr5-1293628-T-A. GRCh37 (hg19) VCF-style: chr5-1293743-T-A.
Other names: c.1258A>T, p.Thr420Ser (NM_001193376.3); short protein forms T420S.
Identifiers: ClinVar variation 1461851 (VCV001461851.8), dbSNP rs2126685146, ClinGen allele CA359086420.

ClinVar aggregate classification (germline): Uncertain significance (1 of 4 stars; one submission).

Conditions:
Dyskeratosis congenita, autosomal dominant 2. Identifiers: MedGen C3151443, MONDO:0013521, OMIM 613989.
Idiopathic Pulmonary Fibrosis. Also called: Idiopathic fibrosing alveolitis, chronic form; idiopathic fibrosing alveolitis. Identifiers: Orphanet 2032, MedGen C1800706, MeSH D054990, MONDO:0800504.

Submission:

Labcorp Genetics (formerly Invitae), Labcorp
Classification: Uncertain significance for Dyskeratosis congenita, autosomal dominant 2; Idiopathic Pulmonary Fibrosis. Last evaluated: 2021-06-17. Review status: criteria provided, single submitter. Criteria: Invitae Variant Classification Sherloc (09022015). Collection method: clinical testing. Allele origin: germline.
Comment: This sequence change replaces threonine with serine at codon 420 of the TERT protein (p.Thr420Ser). The threonine residue is weakly conserved and there is a small physicochemical difference between threonine and serine. The frequency data for this variant in the population databases is considered unreliable, as metrics indicate insufficient coverage at this position in the ExAC database. This variant has not been reported in the literature in individuals with TERT-related conditions. Advanced modeling of protein sequence and biophysical properties (such as structural, functional, and spatial information, amino acid conservation, physicochemical variation, residue mobility, and thermodynamic stability) performed at Invitae indicates that this missense variant is not expected to disrupt TERT protein function. In summary, the available evidence is currently insufficient to determine the role of this variant in disease. Therefore, it has been classified as a Variant of Uncertain Significance.